The following is an entry in ClinVar:

ClinVar aggregate classification (germline): Benign/Likely benign. Review status: criteria provided, multiple submitters, no conflicts (2 of 4 stars). 5 submissions from 5 submitters: Benign (4); Likely benign (1). Last evaluated 2026-02-03.

Conditions:
Hereditary spastic paraplegia 45. Also called: Spastic paraplegia 45, autosomal recessive; SPASTIC PARAPLEGIA 45. Identifiers: Orphanet 320396, MedGen C3888209, MONDO:0013165, OMIM 613162.

Allele frequency attached by ClinVar (database versions not stated): 1000 Genomes Project 30x 0.07573; 1000 Genomes Project 0.07668; TOPMed 0.09935; gnomAD 0.10703 and 0.10846; ESP Exome Variant Server 0.11010; ExAC 0.11381.
gnomAD v4.1: 203,982 of 1,597,198 alleles (13%); highest among the groups gnomAD compares: Non-Finnish European, 14%; 14,609 homozygotes.

Submissions (5):

Labcorp Genetics (formerly Invitae), Labcorp
Classification: Benign for Hereditary spastic paraplegia 45. Last evaluated: 2026-02-03. Review status: criteria provided, single submitter. Criteria: Invitae Variant Classification Sherloc (09022015). Collection method: clinical testing. Allele origin: germline.

Blueprint Genetics
Classification: Likely benign. Last evaluated: 2024-11-27. Review status: criteria provided, single submitter. Criteria: ACMG Guidelines, 2015. Collection method: clinical testing. Allele origin: germline.

Mayo Clinic Laboratories, Mayo Clinic
Classification: Benign. Last evaluated: 2022-03-24. Review status: criteria provided, single submitter. Criteria: ACMG Guidelines, 2015. Collection method: clinical testing. Allele origin: germline. Observed: 76 variant alleles.

GeneDx
Classification: Benign. Last evaluated: 2016-02-01. Review status: criteria provided, single submitter. Criteria: GeneDx Variant Classification (06012015). Collection method: clinical testing. Allele origin: germline. Affected: yes.
Comment: This variant is considered likely benign or benign based on one or more of the following criteria: it is a conservative change, it occurs at a poorly conserved position in the protein, it is predicted to be benign by multiple in silico algorithms, and/or has population frequency not consistent with disease.

Breakthrough Genomics
Classification: Benign. Review status: criteria provided, single submitter. Criteria: ACMG Guidelines, 2015. Collection method: not provided. Allele origin: germline. Inheritance: Autosomal recessive inheritance. Affected: yes.

NM_001351169.2(NT5C2):c.7A>G (p.Thr3Ala)

Gene: NT5C2 (5'-nucleotidase, cytosolic II; minus strand). Cytogenetic location: 10q24.33.
Variant type: single nucleotide variant.
Coding change: c.7A>G on transcript NM_001351169.2 (MANE Select); coding-DNA position 7, A replaced by G.
Protein change: p.Thr3Ala; replaces threonine 3 with alanine.
Molecular consequence: missense variant. On other transcripts: 5 prime UTR variant (20).
Genome position (GRCh38, 1-based): chr10:103,174,952, T>C on the plus strand (A>G on the coding strand, the complement: NT5C2 is on the minus strand). VCF-style: chr10-103174952-T-C. GRCh37 (hg19) VCF-style: chr10-104934709-T-C.
Other names: p.Thr3Ala; c.7A>G, p.Thr3Ala (NM_001134373.3, NM_001351170.2, NM_001351171.2 and 3 more transcripts); c.-211A>G (NM_001351175.2); c.-554A>G (NM_001351176.2); c.-628A>G (NM_001351177.2, NM_001351197.2); c.-652A>G (NM_001351178.2, NM_001351190.2); c.-820A>G (NM_001351179.2, NM_001351182.2); c.-685A>G (NM_001351180.2); and 10 more; short protein forms T3A.
Identifiers: ClinVar variation 380851 (VCV000380851.14), dbSNP rs10883841, ClinGen allele CA5671217.